The following is an entry in ClinVar:

NM_020778.5(ALPK3):c.144-28A>G

Gene: ALPK3 (alpha kinase 3; plus strand). Cytogenetic location: 15q25.3.
Variant type: single nucleotide variant.
Coding change: c.144-28A>G on transcript NM_020778.5 (MANE Select); 28 bases into the intron before coding-DNA position 144, A replaced by G.
Molecular consequence: intron variant.
Genome position (GRCh38, 1-based): chr15:84,823,302, A>G. VCF-style: chr15-84823302-A-G. GRCh37 (hg19) VCF-style: chr15-85366533-A-G.
Other names: NC_000015.9:g.85366533A>G.
Identifiers: ClinVar variation 679113 (VCV000679113.2), dbSNP rs114536068, ClinGen allele CA7708851.

ClinVar aggregate classification (germline): Likely benign (1 of 4 stars; one submission).

Allele frequency attached by ClinVar (database versions not stated): gnomAD exomes 0.00092 and 0.00241; ExAC 0.00287; gnomAD 0.00954 and 0.01030; 1000 Genomes Project 0.00958; 1000 Genomes Project 30x 0.01046; TOPMed 0.01101; ESP Exome Variant Server 0.01130.
gnomAD v4.1: 2,830 of 1,613,878 alleles (0.18%); highest among the groups gnomAD compares: African/African-American, 3.5%; 51 homozygotes.

Submissions (2):

GeneDx
Classification: Likely benign. Last evaluated: 2018-06-18. Review status: criteria provided, single submitter. Criteria: GeneDx Variant Classification (06012015). Collection method: clinical testing. Allele origin: germline. Affected: yes.
Comment: This variant is considered likely benign or benign based on one or more of the following criteria: it is a conservative change, it occurs at a poorly conserved position in the protein, it is predicted to be benign by multiple in silico algorithms, and/or has population frequency not consistent with disease.

Dr. Peter K. Rogan Lab, Western University
No classification provided (evidence only). Condition: Acute myeloid leukemia. Review status: no classification provided. Collection method: in vitro. Allele origin: not applicable. Functional consequence: retained intron. Not counted in ClinVar's aggregate classification.